The following is an entry in ClinVar:

ClinVar aggregate classification (germline): Uncertain significance (0 of 4 stars; one submission).

Conditions:
ALMS1-related disorder. Also called: ALMS1-related condition.

Submission:

PreventionGenetics, part of Exact Sciences
Classification: Uncertain significance for ALMS1-related condition. Last evaluated: 2023-11-27. Review status: no assertion criteria provided. Collection method: clinical testing. Allele origin: germline.
Comment: The ALMS1 c.644T>G variant is predicted to result in the amino acid substitution p.Leu215Arg. To our knowledge, this variant has not been reported in the literature or in a large population database, indicating this variant is rare. At this time, the clinical significance of this variant is uncertain due to the absence of conclusive functional and genetic evidence.

NM_001378454.1(ALMS1):c.641T>G (p.Leu214Arg)

Gene: ALMS1 (ALMS1 centrosome and basal body associated protein; plus strand). Cytogenetic location: 2p13.1.
Variant type: single nucleotide variant.
Coding change: c.641T>G on transcript NM_001378454.1 (MANE Select); coding-DNA position 641, T replaced by G.
Protein change: p.Leu214Arg; replaces leucine 214 with arginine.
Molecular consequence: missense variant.
Genome position (GRCh38, 1-based): chr2:73,419,313, T>G. VCF-style: chr2-73419313-T-G. GRCh37 (hg19) VCF-style: chr2-73646441-T-G.
Other names: c.644T>G, p.Leu215Arg (NM_015120.4); short protein forms L214R, L215R.
Identifiers: ClinVar variation 3348613 (VCV003348613.1).